The following is an entry in ClinVar:

NM_002778.4(PSAP):c.37G>T (p.Ala13Ser)

Gene: PSAP (prosaposin; minus strand). Cytogenetic location: 10q22.1.
Variant type: single nucleotide variant.
Coding change: c.37G>T on transcript NM_002778.4 (MANE Select); coding-DNA position 37, G replaced by T.
Protein change: p.Ala13Ser; replaces alanine 13 with serine.
Molecular consequence: missense variant.
Genome position (GRCh38, 1-based): chr10:71,851,185, C>A on the plus strand (G>T on the coding strand, the complement: PSAP is on the minus strand). VCF-style: chr10-71851185-C-A. GRCh37 (hg19) VCF-style: chr10-73610942-C-A.
Other names: c.37G>T, p.Ala13Ser (NM_001042465.3, NM_001042466.3); short protein forms A13S.
Identifiers: ClinVar variation 1442179 (VCV001442179.7), dbSNP rs1327390670, ClinGen allele CA377159430.

ClinVar aggregate classification (germline): Uncertain significance (1 of 4 stars; one submission).

Conditions:
Sphingolipid activator protein 1 deficiency. Also called: Saposin B Deficiency; METACHROMATIC LEUKODYSTROPHY DUE TO CEREBROSIDE SULFATASE ACTIVATOR DEFICIENCY; Metachromatic leukodystrophy due to saposin B deficiency. Identifiers: Orphanet 512, MedGen C0268262, MONDO:0009590, OMIM 249900.

Allele frequency attached by ClinVar (database versions not stated): gnomAD exomes 0.00001; TOPMed 0.00001; gnomAD 0.00004.
gnomAD v4.1: 7 of 1,550,962 alleles (0.00045%); highest among the groups gnomAD compares: Admixed American, 0.014%; no homozygotes.

Submission:

Labcorp Genetics (formerly Invitae), Labcorp
Classification: Uncertain significance for Sphingolipid activator protein 1 deficiency. Last evaluated: 2024-05-15. Review status: criteria provided, single submitter. Criteria: Invitae Variant Classification Sherloc (09022015). Collection method: clinical testing. Allele origin: germline.
Comment: This sequence change replaces alanine, which is neutral and non-polar, with serine, which is neutral and polar, at codon 13 of the PSAP protein (p.Ala13Ser). The frequency data for this variant in the population databases is considered unreliable, as metrics indicate poor data quality at this position in the gnomAD database. This variant has not been reported in the literature in individuals affected with PSAP-related conditions. ClinVar contains an entry for this variant (Variation ID: 1442179). Advanced modeling of protein sequence and biophysical properties (such as structural, functional, and spatial information, amino acid conservation, physicochemical variation, residue mobility, and thermodynamic stability) performed at Invitae indicates that this missense variant is not expected to disrupt PSAP protein function with a negative predictive value of 80%. In summary, the available evidence is currently insufficient to determine the role of this variant in disease. Therefore, it has been classified as a Variant of Uncertain Significance.